The following is an entry in ClinVar:

ClinVar aggregate classification (germline): Pathogenic. Review status: reviewed by expert panel (3 of 4 stars). 6 submissions from 6 submitters: Pathogenic (1). 5 of the submissions do not count toward it. Last evaluated 2025-01-31.

Conditions:
GUCY2D-related disorders.
Autosomal recessive GUCY2D-related disorders.
GUCY2D-related disorder. Also called: GUCY2D-related condition.
GUCY2D-related recessive retinopathy. Also called: Recessive GUCY2D retinopathy. Identifiers: MedGen CN305603, MONDO:0100453.
Choroidal dystrophy, central areolar, 1. Identifiers: Orphanet 75377, MedGen C4551884, MONDO:0024539, OMIM 215500.
Cone-rod dystrophy 6 (CORD6). Also called: RETINAL CONE DYSTROPHY 2; Cone dystrophy progressive. Identifiers: Orphanet 1872, MedGen C1866293, MONDO:0011143, OMIM 601777.
Leber congenital amaurosis 1 (LCA1). Also called: Congenital absence of the rods and cones; Leber's congenital tapetoretinal degeneration; Leber's congenital tapetoretinal dysplasia; RETINAL BLINDNESS, CONGENITAL; AMAUROSIS CONGENITA OF LEBER I. Identifiers: Orphanet 65, MedGen C2931258, MONDO:0008764, OMIM 204000.
Night blindness, congenital stationary, type1i. Also called: NIGHT BLINDNESS, CONGENITAL STATIONARY, TYPE 1I. Identifiers: MedGen C5231408, MONDO:0032811, OMIM 618555.

Allele frequency attached by ClinVar (database versions not stated): gnomAD exomes below 0.00001 and 0.00002; TOPMed 0.00001; gnomAD 0.00003.

Submissions (6):

ClinGen Leber Congenital Amaurosis/early Onset Retinal Dystrophy Variant Curation Expert Panel, ClinGen
Classification: Pathogenic for GUCY2D-related recessive retinopathy. Last evaluated: 2025-01-31. Review status: reviewed by expert panel. Criteria: ClinGen LCAeoRD ACMG Specifications GUCY2D V1.0.0. Collection method: curation. Allele origin: germline. Inheritance: Autosomal recessive inheritance.
Comment: NM_000180.4(GUCY2D):c.2595del (p.Lys866ArgfsTer14) is a frameshift variant that introduces a premature stop codon into exon 14 of 20, and is predicted to lead to nonsense-mediated decay in a gene in which loss-of-function is an established mechanism of disease (PVS1). This variant is present in gnomAD v.4.1.0 at a total frequency of 0.00001921, with 31 alleles / 1614008 total alleles, which is lower than the ClinGen LCA/eoRD VCEP PM2_Supporting threshold of <0.0004 (PM2_Supporting). At least one proband harboring this variant exhibits a phenotype including diagnosis of Leber congenital amaurosis (0.5 pts), nystagmus (1 pt), visual acuity limited to light perception (1 pt) since birth (1 pt), flat electroretinogram responses from both rods (0.5 pts) and cones (1 pt), abnormal visually evoked response, absence of medial opacities, and normal-appearing fundus, which together are specific for GUCY2D-related recessive retinopathy (total 5 points, PMID: 29178642, PP4). In summary, this variant meets the criteria to be classified as pathogenic for GUCY2D-related recessive retinopathy based on the ACMG/AMP criteria applied, as specified by the ClinGen LCA / eoRD VCEP: PVS1, PM2_Supporting, and PP4. (VCEP specifications version 1.0.0; date of approval 01/22/2025).

Labcorp Genetics (formerly Invitae), Labcorp
Classification: Pathogenic for Leber congenital amaurosis 1; Cone-rod dystrophy 6. Last evaluated: 2025-09-10. Review status: criteria provided, single submitter. Criteria: Invitae Variant Classification Sherloc (09022015). Collection method: clinical testing. Allele origin: germline. Not counted in ClinVar's aggregate classification.
Comment: This sequence change creates a premature translational stop signal (p.Lys866Argfs*14) in the GUCY2D gene. It is expected to result in an absent or disrupted protein product. Loss-of-function variants in GUCY2D are known to be pathogenic (PMID: 10951519, 11328726). This variant is present in population databases (no rsID available, gnomAD 0.004%). This premature translational stop signal has been observed in individuals with Leber congenital amaurosis (PMID: 23035049, 29178642). ClinVar contains an entry for this variant (Variation ID: 861651). For these reasons, this variant has been classified as Pathogenic.

Variantyx, Inc.
Classification: Pathogenic for Autosomal recessive GUCY2D-related disorders. Last evaluated: 2025-06-16. Review status: criteria provided, single submitter. Criteria: Variantyx Assertion Criteria 2022. Collection method: clinical testing. Allele origin: germline. Inheritance: Autosomal recessive inheritance. Affected: no. Not counted in ClinVar's aggregate classification.
Comment: This is a frameshift variant in the GUCY2D gene (OMIM: 600179). Pathogenic variants in this gene have been associated with autosomal recessive GUCY2D-related disorders. The clinical symptoms reported in at least 1 affected individual are highly specific for autosomal recessive GUCY2D-related disorders, which has a limited genetic etiology (PMID: 29178642) (PP4). This variant introduces a premature termination codon in exon 14 out of 20 and is expected to result in loss of function, which is a known disease mechanism for GUCY2D in these disorders (PVS1) (PMID:10951519). This variant has a 0.0027% maximum allele frequency in non-founder control populations (PM2). Based on the current evidence, this variant is classified as pathogenic for autosomal recessive GUCY2D-related disorders.

Fulgent Genetics
Classification: Pathogenic for Leber congenital amaurosis 1; Choroidal dystrophy, central areolar, 1; Cone-rod dystrophy 6; Night blindness, congenital stationary, type1i. Last evaluated: 2024-01-18. Review status: criteria provided, single submitter. Criteria: ACMG Guidelines, 2015. Collection method: clinical testing. Allele origin: germline. Not counted in ClinVar's aggregate classification.

PreventionGenetics, part of Exact Sciences
Classification: Pathogenic for GUCY2D-related condition. Last evaluated: 2023-04-19. Review status: criteria provided, single submitter. Criteria: ACMG Guidelines, 2015. Collection method: clinical testing. Allele origin: germline. Not counted in ClinVar's aggregate classification.
Comment: The GUCY2D c.2595delG variant is predicted to result in a frameshift and premature protein termination (p.Leu865Leufs*15). This variant has been reported in the presumed and confirmed compound heterozygous state in individuals with Leber congenital amaurosis (Patient 10, Jacobson et al. 2013. PubMed ID: 23035049; Supplementary Table 1A and 3, Family ID0535, Thompson et al. 2017. PubMed ID: 29178642) and in the presumed compound heterozygous state in an individual with retinal dystrophy (Table S5, Subject ID 15014189, Taylor et al. 2017. PubMed ID: 28341476). This variant is reported in 0.0040% of alleles in individuals of African descent in gnomAD and is interpreted as pathogenic on ClinVar. Frameshift variants in GUCY2D are expected to be pathogenic. This variant is interpreted as pathogenic.

Blueprint Genetics
Classification: Pathogenic for GUCY2D-related disorders. Last evaluated: 2022-08-25. Review status: criteria provided, single submitter. Criteria: ACMG Guidelines, 2015. Collection method: clinical testing. Allele origin: germline. Affected: yes. Observed: 5 variant alleles. Not counted in ClinVar's aggregate classification.

Literature cited by the submitters: PubMed 10951519 (cited by Labcorp Genetics (formerly Invitae), Labcorp and Variantyx, Inc.); PubMed 11328726 (cited by Labcorp Genetics (formerly Invitae), Labcorp); PubMed 23035049 (cited by Labcorp Genetics (formerly Invitae), Labcorp); PubMed 29178642 (cited by Labcorp Genetics (formerly Invitae), Labcorp and Variantyx, Inc.).

NM_000180.4(GUCY2D):c.2595del (p.Lys866fs)

Gene: GUCY2D (guanylate cyclase 2D, retinal; plus strand). Cytogenetic location: 17p13.1.
Variant type: Deletion.
Coding change: c.2595del on transcript NM_000180.4 (MANE Select); coding-DNA position 2595, one base deleted (G; older notation c.2595delG).
Protein change: p.Lys866fs; shifts the reading frame from lysine 866.
Molecular consequence: frameshift variant.
Genome position (GRCh38, 1-based): chr17:8,014,877, G deleted. VCF-style (leftmost placement, unchanged base first): chr17-8014876-TG-T. GRCh37 (hg19) VCF-style: chr17-7918194-TG-T.
Other names: NM_000180.4(GUCY2D):c.2595del; p.Lys866fs; c.2595delG (NM_000180.3); short protein forms K866fs.
Identifiers: ClinVar variation 861651 (VCV000861651.16), dbSNP rs1200134985, ClinGen allele CA624867876.